The following is an entry in ClinVar:

NM_000183.3(HADHB):c.1203C>A (p.Asn401Lys)

Gene: HADHB (hydroxyacyl-CoA dehydrogenase trifunctional multienzyme complex subunit beta; plus strand). Cytogenetic location: 2p23.3.
Variant type: single nucleotide variant.
Coding change: c.1203C>A on transcript NM_000183.3 (MANE Select); coding-DNA position 1203, C replaced by A.
Protein change: p.Asn401Lys; replaces asparagine 401 with lysine.
Molecular consequence: missense variant.
Genome position (GRCh38, 1-based): chr2:26,284,936, C>A. VCF-style: chr2-26284936-C-A. GRCh37 (hg19) VCF-style: chr2-26507804-C-A.
Other names: c.1158C>A, p.Asn386Lys (NM_001281512.2); c.1137C>A, p.Asn379Lys (NM_001281513.2); short protein forms N379K, N386K, N401K.
Identifiers: ClinVar variation 2106176 (VCV002106176.5), dbSNP rs894288423, ClinGen allele CA44342377.

ClinVar aggregate classification (germline): Uncertain significance. Review status: criteria provided, multiple submitters, no conflicts (2 of 4 stars). 2 submissions from 2 submitters: Uncertain significance (2). Last evaluated 2022-11-30.

Conditions:
Mitochondrial trifunctional protein deficiency. Identifiers: Orphanet 746, MedGen C1969443, MONDO:0012172.
Inborn genetic diseases. Identifiers: MedGen C0950123, MeSH D030342.

Allele frequency attached by ClinVar (database versions not stated): gnomAD exomes below 0.00001; gnomAD 0.00001; TOPMed 0.00002.
gnomAD v4.1: 2 of 1,584,974 alleles (0.00013%); highest among the groups gnomAD compares: African/African-American, 0.0013%; no homozygotes.

Submissions (2):

Ambry Genetics
Classification: Uncertain significance for Inborn genetic diseases. Last evaluated: 2022-11-30. Review status: criteria provided, single submitter. Criteria: Ambry Variant Classification Scheme 2023. Collection method: clinical testing. Allele origin: germline.

Labcorp Genetics (formerly Invitae), Labcorp
Classification: Uncertain significance for Mitochondrial trifunctional protein deficiency. Last evaluated: 2022-07-25. Review status: criteria provided, single submitter. Criteria: Invitae Variant Classification Sherloc (09022015). Collection method: clinical testing. Allele origin: germline.
Comment: In summary, the available evidence is currently insufficient to determine the role of this variant in disease. Therefore, it has been classified as a Variant of Uncertain Significance. Algorithms developed to predict the effect of missense changes on protein structure and function (SIFT, PolyPhen-2, Align-GVGD) all suggest that this variant is likely to be tolerated. This variant has not been reported in the literature in individuals affected with HADHB-related conditions. This variant is not present in population databases (gnomAD no frequency). This sequence change replaces asparagine, which is neutral and polar, with lysine, which is basic and polar, at codon 401 of the HADHB protein (p.Asn401Lys).